The following is an entry in ClinVar:

ClinVar aggregate classification (germline): Pathogenic (1 of 4 stars; one submission).

Conditions:
Primary hyperoxaluria, type II (HP2). Also called: D-GLYCERATE DEHYDROGENASE DEFICIENCY; GLYCERIC ACIDURIA; GLYOXYLATE REDUCTASE/HYDROXYPYRUVATE REDUCTASE DEFICIENCY; OXALOSIS II; Primary hyperoxaluria type 2. Identifiers: Orphanet 416, Orphanet 93599, MedGen C0268165, MONDO:0009824, OMIM 260000. Disease mechanism: loss of function.

Submission:

Myriad Genetics, Inc.
Classification: Pathogenic for Primary hyperoxaluria, type II. Last evaluated: 2025-09-11. Review status: criteria provided, single submitter. Criteria: Myriad Autosomal Dominant, Autosomal Recessive and X-Linked Classification Criteria (2023). Collection method: clinical testing. Allele origin: unknown.
Comment: NM_012203.1(GRHPR):c.552delG(R185Afs*34) is expected to be pathogenic in the context of primary hyperoxaluria type 2. This variant is predicted to lead to an abnormal or absent protein product due to the creation of a premature termination codon in GRHPR, a gene where loss-of-function variants are known to be pathogenic. Please note: this variant was assessed in the context of healthy population screening.

NM_012203.2(GRHPR):c.552del (p.Arg185fs)

Gene: GRHPR (glyoxylate and hydroxypyruvate reductase; plus strand). Cytogenetic location: 9p13.2.
Variant type: Deletion.
Coding change: c.552del on transcript NM_012203.2 (MANE Select); coding-DNA position 552, one base deleted (G; older notation c.552delG).
Protein change: p.Arg185fs; shifts the reading frame from arginine 185.
Molecular consequence: frameshift variant.
Genome position (GRCh38, 1-based): chr9:37,429,790, G deleted; the last of 3 consecutive G bases (chr9:37,429,788-37,429,790); deleting any one gives the same sequence. VCF-style (leftmost placement, unchanged base first): chr9-37429787-AG-A. GRCh37 (hg19) VCF-style: chr9-37429784-AG-A.
Other names: short protein forms R185fs.
Identifiers: ClinVar variation 5014960 (VCV005014960.1).